The following is an entry in ClinVar:

ClinVar aggregate classification (germline): Uncertain significance. Review status: criteria provided, multiple submitters, no conflicts (2 of 4 stars). 2 submissions from 2 submitters: Uncertain significance (2). Last evaluated 2024-03-08.

Conditions:
Lafora disease. Also called: Epilepsy progressive myoclonic 2. Identifiers: Orphanet 501, MedGen C0751783, MONDO:0009697.

Allele frequency attached by ClinVar (database versions not stated): gnomAD exomes below 0.00001; gnomAD 0.00001; TOPMed 0.00002.

Submissions (2):

GeneDx
Classification: Uncertain significance. Last evaluated: 2024-03-08. Review status: criteria provided, single submitter. Criteria: GeneDx Variant Classification Process June 2021. Collection method: clinical testing. Allele origin: germline. Affected: yes.
Comment: Not observed at significant frequency in large population cohorts (gnomAD); In silico analysis supports that this missense variant does not alter protein structure/function; Has not been previously published as pathogenic or benign to our knowledge

Labcorp Genetics (formerly Invitae), Labcorp
Classification: Uncertain significance for Lafora disease. Last evaluated: 2022-07-29. Review status: criteria provided, single submitter. Criteria: Invitae Variant Classification Sherloc (09022015). Collection method: clinical testing. Allele origin: germline.
Comment: This sequence change replaces arginine, which is basic and polar, with serine, which is neutral and polar, at codon 105 of the NHLRC1 protein (p.Arg105Ser). The frequency data for this variant in the population databases is considered unreliable, as metrics indicate poor data quality at this position in the gnomAD database. This variant has not been reported in the literature in individuals affected with NHLRC1-related conditions. ClinVar contains an entry for this variant (Variation ID: 1018979). Algorithms developed to predict the effect of missense changes on protein structure and function output the following: SIFT: "Tolerated"; PolyPhen-2: "Benign"; Align-GVGD: "Class C0". The serine amino acid residue is found in multiple mammalian species, which suggests that this missense change does not adversely affect protein function. In summary, the available evidence is currently insufficient to determine the role of this variant in disease. Therefore, it has been classified as a Variant of Uncertain Significance.

NM_198586.3(NHLRC1):c.313C>A (p.Arg105Ser)

Gene: NHLRC1 (NHL repeat containing E3 ubiquitin protein ligase 1; minus strand). Cytogenetic location: 6p22.3.
Variant type: single nucleotide variant.
Coding change: c.313C>A on transcript NM_198586.3 (MANE Select); coding-DNA position 313, C replaced by A.
Protein change: p.Arg105Ser; replaces arginine 105 with serine.
Molecular consequence: missense variant.
Genome position (GRCh38, 1-based): chr6:18,122,294, G>T on the plus strand (C>A on the coding strand, the complement: NHLRC1 is on the minus strand). VCF-style: chr6-18122294-G-T. GRCh37 (hg19) VCF-style: chr6-18122525-G-T.
Other names: c.313C>A (NM_198586.2); short protein forms R105S.
Identifiers: ClinVar variation 1018979 (VCV001018979.3), dbSNP rs909097062, ClinGen allele CA134960049.
Genomic context (GRCh38, chr6:18,122,294, plus strand): 5'-TCCCCCAGCCGCCGAAGGTGTGGTGGCAGGTGAGGGCTCCGGGGGCGCTGGGGGCGGCGC[G>T]ATGGGCGGCCGGGGACTGGCGAAGCGCTGAGCCCAGGAGCTCTATGAGGTGCAGCACCGG-3'
Protein context (NP_940988.2, residues 95-115): SALRQSPAAH[Arg105Ser]AAPSAPGALT